The following is an entry in ClinVar:

NM_001378418.1(TCF20):c.1294G>C (p.Ala432Pro)

Gene: TCF20 (transcription factor 20; minus strand). Cytogenetic location: 22q13.2.
Variant type: single nucleotide variant.
Coding change: c.1294G>C on transcript NM_001378418.1 (MANE Select); coding-DNA position 1294, G replaced by C.
Protein change: p.Ala432Pro; replaces alanine 432 with proline.
Molecular consequence: missense variant.
Genome position (GRCh38, 1-based): chr22:42,214,012, C>G on the plus strand (G>C on the coding strand, the complement: TCF20 is on the minus strand). VCF-style: chr22-42214012-C-G. GRCh37 (hg19) VCF-style: chr22-42610018-C-G.
Other names: c.1294G>C, p.Ala432Pro (NM_005650.4, NM_181492.3); short protein forms A432P.
Identifiers: ClinVar variation 4806028 (VCV004806028.1).
Genomic context (GRCh38, chr22:42,214,012, plus strand): 5'-CAGGATCTGTCAGTCGCTTTTCTGGTACCCCTTCTAGTCCAAACCCTTTGAAGCCTGCAG[C>G]ATGAGAATTAGGACTGGGCATCATTGATGGGGTTGGACTGAGTTGAGGCATTAACTGTAA-3'
Protein context (NP_001365347.1, residues 422-442): PSMMPSPNSH[Ala432Pro]AGFKGFGLEG

ClinVar aggregate classification (germline): Uncertain significance (1 of 4 stars; one submission).

gnomAD v4.1: 2 of 1,614,176 alleles (0.00012%); highest among the groups gnomAD compares: African/African-American, 0.0013%; no homozygotes.

Submission:

Labcorp Genetics (formerly Invitae), Labcorp
Classification: Uncertain significance. Last evaluated: 2025-09-10. Review status: criteria provided, single submitter. Criteria: Invitae Variant Classification Sherloc (09022015). Collection method: clinical testing. Allele origin: germline.
Comment: This sequence change replaces alanine, which is neutral and non-polar, with proline, which is neutral and non-polar, at codon 432 of the TCF20 protein (p.Ala432Pro). This variant is present in population databases (rs776040948, gnomAD no frequency). This variant has not been reported in the literature in individuals affected with TCF20-related conditions. An algorithm developed to predict the effect of missense changes on protein structure and function (PolyPhen-2) suggests that this variant is likely to be tolerated. In summary, the available evidence is currently insufficient to determine the role of this variant in disease. Therefore, it has been classified as a Variant of Uncertain Significance.